The following is an entry in ClinVar:

ClinVar aggregate classification (germline): Uncertain significance (1 of 4 stars; one submission).

Submission:

Labcorp Genetics (formerly Invitae), Labcorp
Classification: Uncertain significance. Last evaluated: 2022-11-20. Review status: criteria provided, single submitter. Criteria: Invitae Variant Classification Sherloc (09022015). Collection method: clinical testing. Allele origin: germline.
Comment: In summary, the available evidence is currently insufficient to determine the role of this variant in disease. Therefore, it has been classified as a Variant of Uncertain Significance. Experimental studies and prediction algorithms are not available or were not evaluated, and the functional significance of this variant is currently unknown. This variant has not been reported in the literature in individuals affected with ATP2B2-related conditions. This variant is not present in population databases (gnomAD no frequency). This variant, c.1420_1443del, results in the deletion of 8 amino acid(s) of the ATP2B2 protein (p.Val474_Asp481del), but otherwise preserves the integrity of the reading frame.

NM_001001331.4(ATP2B2):c.1555_1578del (p.Val519_Asp526del)

Gene: ATP2B2 (ATPase plasma membrane Ca2+ transporting 2; minus strand). Cytogenetic location: 3p25.3.
Variant type: Deletion.
Coding change: c.1555_1578del on transcript NM_001001331.4 (MANE Select); coding-DNA positions 1555 to 1578, 24 bases deleted (GTCCACTATAAAGAGATCCCCGAC).
Protein change: p.Val519_Asp526del.
Molecular consequence: inframe deletion.
Genome position (GRCh38, 1-based): chr3:10,371,890-10,371,913, GTCGGGGATCTCTTTATAGTGGAC deleted on the plus strand (GTCCACTATAAAGAGATCCCCGAC on the coding strand, the reverse complement: ATP2B2 is on the minus strand); deleting any 24 consecutive bases within chr3:10,371,890-10,371,917 gives the same sequence; the c. name uses the placement nearest the transcript's 3' end. VCF-style (leftmost placement, unchanged base first): chr3-10371889-GGTCGGGGATCTCTTTATAGTGGAC-G. GRCh37 (hg19) VCF-style: chr3-10413573-GGTCGGGGATCTCTTTATAGTGGAC-G.
Other names: c.1420_1443del, p.Val474_Asp481del (NM_001330611.3, NM_001353564.1, NM_001363862.1 and 1 more transcripts).
Identifiers: ClinVar variation 2815409 (VCV002815409.3), dbSNP rs2470389153, ClinGen allele CA2739278151.